The following is an entry in ClinVar:

NM_001165963.4(SCN1A):c.1633T>G (p.Tyr545Asp)

Gene: SCN1A (sodium voltage-gated channel alpha subunit 1; minus strand). Cytogenetic location: 2q24.3.
Variant type: single nucleotide variant.
Coding change: c.1633T>G on transcript NM_001165963.4 (MANE Select); coding-DNA position 1633, T replaced by G.
Protein change: p.Tyr545Asp; replaces tyrosine 545 with aspartic acid.
Molecular consequence: missense variant. On other transcripts: 5 prime UTR variant (1), non-coding transcript variant (1).
Genome position (GRCh38, 1-based): chr2:166,045,072, A>C on the plus strand (T>G on the coding strand, the complement: SCN1A is on the minus strand). VCF-style: chr2-166045072-A-C. GRCh37 (hg19) VCF-style: chr2-166901582-A-C.
Other names: c.1633T>G, p.Tyr545Asp (NM_001353958.2, NM_006920.6, NM_001165964.3 and 7 more transcripts); c.1630T>G, p.Tyr544Asp (NM_001353960.2, NM_001353954.2, NM_001353955.2); c.-793T>G (NM_001353961.2); c.1633T>G (NM_001202435.1); short protein forms Y544D, Y545D.
Identifiers: ClinVar variation 1694979 (VCV001694979.31), dbSNP rs1064794913, ClinGen allele CA349069088.
Genomic context (GRCh38, chr2:166,045,072, plus strand): 5'-CCATGCATCAGTAAACTCAGCAGTGCCATACCTGGTGTGGGGAGGAGTACCTCTTTTCAT[A>C]TGTCAATCGGTTCCCTTCAATGGAGAAGCGAAAACCTTTCCTCCTGATGCTGTCCTCAGA-3'
Protein context (NP_001159435.1, residues 535-555): RFSIEGNRLT[Tyr545Asp]EKRYSSPHQS

ClinVar aggregate classification (germline): Uncertain significance. Review status: criteria provided, multiple submitters, no conflicts (2 of 4 stars). 3 submissions from 3 submitters: Uncertain significance (2). 1 of the submissions does not count toward it. Last evaluated 2025-05-27.

Conditions:
SCN1A-related disorder. Also called: SCN1A-related conditions; SCN1A-related condition; SCN1A-related disorders.
Generalized epilepsy with febrile seizures plus, type 2 (GEFSP2). Also called: GEFS+, TYPE 2. Identifiers: Orphanet 36387, MedGen C1858673, MONDO:0011461, OMIM 604403.

Submissions (3):

3billion
Classification: Uncertain significance for Generalized epilepsy with febrile seizures plus, type 2. Last evaluated: 2025-05-27. Review status: criteria provided, single submitter. Criteria: ACMG Guidelines, 2015. Collection method: clinical testing. Allele origin: germline. Affected: yes.
Comment: The variant is not observed in the gnomAD v4.1.0 dataset. Predicted Consequence/Location: Missense variant In silico tool predictions suggest damaging effect of the variant on gene or gene product [3Cnet: 0.99 (> 0.75, sensitivity 0.96 and precision 0.92)]. A different missense change at the same codon (p.Tyr545His) has been reported to be associated with SCN1A-related disorder (ClinVar ID: VCV000421106). However the evidence of pathogenicity is insufficient at this time. Therefore, this variant is classified as VUS according to the recommendation of ACMG/AMP guideline.

CeGaT Center for Human Genetics Tuebingen
Classification: Uncertain significance. Last evaluated: 2022-04-01. Review status: criteria provided, single submitter. Criteria: CeGaT Center For Human Genetics Tuebingen Variant Classification Criteria Version 2. Collection method: clinical testing. Allele origin: germline. Affected: yes. Observed: 1 variant allele.
Comment: SCN1A: PM2, PM5:Supporting, PP2

PreventionGenetics, part of Exact Sciences
Classification: Uncertain significance for SCN1A-related condition. Last evaluated: 2024-04-15. Review status: no assertion criteria provided. Collection method: clinical testing. Allele origin: germline. Not counted in ClinVar's aggregate classification.
Comment: The SCN1A c.1633T>G variant is predicted to result in the amino acid substitution p.Tyr545Asp. To our knowledge, this variant has not been reported in the literature or in a large population database, indicating this variant is rare. At this time, the clinical significance of this variant is uncertain due to the absence of conclusive functional and genetic evidence.